The following is an entry in ClinVar:

NM_001846.4(COL4A2):c.3712C>A (p.Pro1238Thr)

Gene: COL4A2 (collagen type IV alpha 2 chain; plus strand). Cytogenetic location: 13q34.
Variant type: single nucleotide variant.
Coding change: c.3712C>A on transcript NM_001846.4 (MANE Select); coding-DNA position 3712, C replaced by A.
Protein change: p.Pro1238Thr; replaces proline 1238 with threonine.
Molecular consequence: missense variant.
Genome position (GRCh38, 1-based): chr13:110,495,419, C>A. VCF-style: chr13-110495419-C-A. GRCh37 (hg19) VCF-style: chr13-111147766-C-A.
Other names: short protein forms P1238T.
Identifiers: ClinVar variation 2092960 (VCV002092960.4), dbSNP rs375198480, ClinGen allele CA388733611.

ClinVar aggregate classification (germline): Uncertain significance (1 of 4 stars; one submission).

Submission:

Labcorp Genetics (formerly Invitae), Labcorp
Classification: Uncertain significance. Last evaluated: 2022-04-01. Review status: criteria provided, single submitter. Criteria: Invitae Variant Classification Sherloc (09022015). Collection method: clinical testing. Allele origin: germline.
Comment: In summary, the available evidence is currently insufficient to determine the role of this variant in disease. Therefore, it has been classified as a Variant of Uncertain Significance. Advanced modeling of protein sequence and biophysical properties (such as structural, functional, and spatial information, amino acid conservation, physicochemical variation, residue mobility, and thermodynamic stability) performed at Invitae indicates that this missense variant is not expected to disrupt COL4A2 protein function. This variant has not been reported in the literature in individuals affected with COL4A2-related conditions. This variant is not present in population databases (gnomAD no frequency). This sequence change replaces proline, which is neutral and non-polar, with threonine, which is neutral and polar, at codon 1238 of the COL4A2 protein (p.Pro1238Thr).